The following is an entry in ClinVar:

ClinVar aggregate classification (germline): Pathogenic (1 of 4 stars; one submission).

Conditions:
Familial cancer of breast. Also called: BREAST CANCER, FAMILIAL; Hereditary breast cancer; hereditary breast carcinoma. Identifiers: Orphanet 227535, MedGen C0346153, MONDO:0016419, OMIM 114480. Disease mechanism: loss of function.

Submission:

Myriad Genetics, Inc.
Classification: Pathogenic for Familial cancer of breast. Last evaluated: 2026-09-29. Review status: criteria provided, single submitter. Criteria: Myriad Autosomal Dominant, Autosomal Recessive and X-Linked Classification Criteria (2023). Collection method: clinical testing. Allele origin: unknown.
Comment: This variant is considered pathogenic. This variant creates a frameshift predicted to result in premature protein truncation.

NM_000465.4(BARD1):c.372del (p.Glu125fs)

Gene: BARD1 (BRCA1 associated RING domain 1; minus strand). Cytogenetic location: 2q35.
Variant type: Deletion.
Coding change: c.372del on transcript NM_000465.4 (MANE Select); coding-DNA position 372, one base deleted (A; older notation c.372delA).
Protein change: p.Glu125fs; shifts the reading frame from glutamic acid 125.
Molecular consequence: frameshift variant. On other transcripts: non-coding transcript variant (2), intron variant (3).
Genome position (GRCh38, 1-based): chr2:214,781,502, T deleted on the plus strand (A on the coding strand, the reverse complement: BARD1 is on the minus strand); the first of 3 consecutive T bases (chr2:214,781,502-214,781,504); deleting any one gives the same sequence. VCF-style (leftmost placement, unchanged base first): chr2-214781501-CT-C. GRCh37 (hg19) VCF-style: chr2-215646225-CT-C.
Other names: c.315del, p.Glu106fs (NM_001282543.2); c.158+27910del (NM_001282548.2); c.215+15559del (NM_001282545.2); c.364+10795del (NM_001282549.2); short protein forms E106fs, E125fs.
Identifiers: ClinVar variation 5042304 (VCV005042304.1).